The following is an entry in ClinVar:

ClinVar aggregate classification (germline): Pathogenic (1 of 4 stars; one submission).

Conditions:
Bardet-Biedl syndrome (BBS). Identifiers: Orphanet 110, MedGen C0752166, MONDO:0015229.

Submission:

SN ONGC Dept of Genetics and Molecular biology Vision Research Foundation
Classification: Pathogenic for Bardet-Biedl syndrome. Review status: criteria provided, single submitter. Criteria: ACMG Guidelines, 2015. Collection method: research. Allele origin: unknown. Affected: yes.
Comment: This variant was observed in compound heterozygosity with variant NC_000004.11:g.123664323T>C

NM_152618.3(BBS12):c.1918del (p.Tyr640fs)

Gene: BBS12 (Bardet-Biedl syndrome 12; plus strand). Cytogenetic location: 4q27.
Variant type: Deletion.
Coding change: c.1918del on transcript NM_152618.3 (MANE Select); coding-DNA position 1918, one base deleted (T; older notation c.1918delT).
Protein change: p.Tyr640fs; shifts the reading frame from tyrosine 640.
Molecular consequence: frameshift variant.
Genome position (GRCh38, 1-based): chr4:122,743,810, T deleted. VCF-style (leftmost placement, unchanged base first): chr4-122743809-AT-A. GRCh37 (hg19) VCF-style: chr4-123664964-AT-A.
Other names: c.1918del, p.Tyr640fs (NM_001178007.2); short protein forms Y640fs.
Identifiers: ClinVar variation 2498315 (VCV002498315.1), dbSNP rs2485078441, ClinGen allele CA2580071571.